The following is an entry in ClinVar:

NM_152594.3(SPRED1):c.*5398G>T

Gene: SPRED1 (sprouty related EVH1 domain containing 1; plus strand). Cytogenetic location: 15q14.
Variant type: single nucleotide variant.
Coding change: c.*5398G>T on transcript NM_152594.3 (MANE Select); 5398 bases downstream of the stop codon, G replaced by T.
Molecular consequence: 3 prime UTR variant.
Genome position (GRCh38, 1-based): chr15:38,357,062, G>T. VCF-style: chr15-38357062-G-T. GRCh37 (hg19) VCF-style: chr15-38649263-G-T.
Identifiers: ClinVar variation 884303 (VCV000884303.4), dbSNP rs115003524, ClinGen allele CA269294008.
Genomic context (GRCh38, chr15:38,357,062, plus strand): 5'-ATCAAGTTAATACCCACAAGTAAGTAGAATAGCTTTTATAACAAGGAAATTGAAACTAGG[G>T]TTCTAGCTTGGCTATCAATATAAGTGTCATGCACATAGTGCTCCTTAAAGAAAAAGACAT-3'

ClinVar aggregate classification (germline): Benign (1 of 4 stars; one submission).

Conditions:
Legius syndrome. Identifiers: Orphanet 137605, MedGen C1969623, MONDO:0012669, OMIM 611431. Disease mechanism: loss of function.

Allele frequency attached by ClinVar (database versions not stated): gnomAD 0.00242 and 0.00257; TOPMed 0.00311; 1000 Genomes Project 0.00459; 1000 Genomes Project 30x 0.00547.

Submission:

Illumina Laboratory Services, Illumina
Classification: Benign for Legius syndrome. Last evaluated: 2018-01-13. Review status: criteria provided, single submitter. Criteria: ICSL Variant Classification Criteria 13 December 2019. Collection method: clinical testing. Allele origin: germline.
Comment: This variant was observed in the ICSL laboratory as part of a predisposition screen in an ostensibly healthy population. It had not been previously curated by ICSL or reported in the Human Gene Mutation Database (HGMD: prior to June 1st, 2018), and was therefore a candidate for classification through an automated scoring system. Utilizing variant allele frequency, disease prevalence and penetrance estimates, and inheritance mode, an automated score was calculated to assess if this variant is too frequent to cause the disease. Based on the score and internal cut-off values, a variant classified as benign is not then subjected to further curation. The score for this variant resulted in a classification of benign for this disease.